The following is an entry in ClinVar:

ClinVar aggregate classification (germline): Likely benign. Review status: criteria provided, single submitter (1 of 4 stars). 2 submissions from 2 submitters: Likely benign (1). 1 of the submissions does not count toward it. Last evaluated 2017-12-12.

Conditions:
EZR-related disorder. Also called: EZR-related condition.

Allele frequency attached by ClinVar (database versions not stated): gnomAD exomes 0.00018; ExAC 0.00028; ESP Exome Variant Server 0.00046; gnomAD 0.00053 and 0.00054; TOPMed 0.00057; 1000 Genomes Project 30x 0.00094; 1000 Genomes Project 0.00100.
gnomAD v4.1: 235 of 1,614,140 alleles (0.015%); highest among the groups gnomAD compares: African/African-American, 0.17%; no homozygotes.

Submissions (2):

Labcorp Genetics (formerly Invitae), Labcorp
Classification: Likely benign. Last evaluated: 2017-12-12. Review status: criteria provided, single submitter. Criteria: Invitae Variant Classification Sherloc (09022015). Collection method: clinical testing. Allele origin: germline.

PreventionGenetics, part of Exact Sciences
Classification: Likely benign for EZR-related condition. Last evaluated: 2019-06-12. Review status: no assertion criteria provided. Collection method: clinical testing. Allele origin: germline. Not counted in ClinVar's aggregate classification.
Comment: This variant is classified as likely benign based on ACMG/AMP sequence variant interpretation guidelines (Richards et al. 2015 PMID: 25741868, with internal and published modifications).

NM_001111077.2(EZR):c.1740C>T (p.Ile580=)

Gene: EZR (ezrin; minus strand). Cytogenetic location: 6q25.3.
Variant type: single nucleotide variant.
Coding change: c.1740C>T on transcript NM_001111077.2 (MANE Select); coding-DNA position 1740, C replaced by T.
Protein change: p.Ile580=; no amino-acid change (isoleucine 580 retained).
Molecular consequence: synonymous variant.
Genome position (GRCh38, 1-based): chr6:158,766,935, G>A on the plus strand (C>T on the coding strand, the complement: EZR is on the minus strand). VCF-style: chr6-158766935-G-A. GRCh37 (hg19) VCF-style: chr6-159187967-G-A.
Other names: c.1740C>T, p.Ile580= (NM_003379.5).
Identifiers: ClinVar variation 731043 (VCV000731043.5), dbSNP rs146440883, ClinGen allele CA4074830.